The following is an entry in ClinVar:

NM_001093.4(ACACB):c.5559A>G (p.Glu1853=)

Gene: ACACB (acetyl-CoA carboxylase beta; plus strand). Cytogenetic location: 12q24.11.
Variant type: single nucleotide variant.
Coding change: c.5559A>G on transcript NM_001093.4 (MANE Select); coding-DNA position 5559, A replaced by G.
Protein change: p.Glu1853=; no amino-acid change (glutamic acid 1853 retained).
Molecular consequence: synonymous variant.
Genome position (GRCh38, 1-based): chr12:109,246,436, A>G. VCF-style: chr12-109246436-A-G. GRCh37 (hg19) VCF-style: chr12-109684241-A-G.
Other names: c.5559A>G, p.Glu1853= (NM_001412734.1, NM_001412735.1); c.4953A>G, p.Glu1651= (NM_001412736.1, NM_001412739.1); c.4932A>G, p.Glu1644= (NM_001412737.1); c.4764A>G, p.Glu1588= (NM_001412738.1).
Identifiers: ClinVar variation 3042704 (VCV003042704.2), dbSNP rs749208910, ClinGen allele CA6774768.

ClinVar aggregate classification (germline): Likely benign (0 of 4 stars; one submission).

Conditions:
ACACB-related disorder. Also called: ACACB-related condition.

Allele frequency attached by ClinVar (database versions not stated): ExAC 0.00001; gnomAD 0.00001; TOPMed 0.00001; gnomAD exomes 0.00002.
gnomAD v4.1: 23 of 1,610,822 alleles (0.0014%); highest among the groups gnomAD compares: Middle Eastern, 0.23%; no homozygotes.

Submission:

PreventionGenetics, part of Exact Sciences
Classification: Likely benign for ACACB-related condition. Last evaluated: 2019-06-28. Review status: no assertion criteria provided. Collection method: clinical testing. Allele origin: germline.
Comment: This variant is classified as likely benign based on ACMG/AMP sequence variant interpretation guidelines (Richards et al. 2015 PMID: 25741868, with internal and published modifications).